The following is an entry in ClinVar:

NR_023344.2(RNU6ATAC):n.43G>A

Gene: RNU6ATAC (RNA, U6atac small nuclear; minus strand). Cytogenetic location: 9q34.2.
Variant type: single nucleotide variant.
Molecular consequence: non-coding transcript variant (on NR_023344.2).
Genome position: GRCh38 VCF-style: chr9-134164522-C-T. GRCh37 (hg19) VCF-style: chr9-137029644-C-T.
Identifiers: ClinVar variation 4688033 (VCV004688033.1).

ClinVar aggregate classification (germline): VUS-mid (0 of 4 stars; one submission).

Submission:

Lifera Omics
Classification: VUS-mid. Last evaluated: 2026-01-22. Review status: no assertion criteria provided. Collection method: clinical testing. Allele origin: biparental. Inheritance: Autosomal recessive inheritance. Affected: yes. Observed: 1 homozygote.
Comment: The homozygous n.43G>A variant in RNU6ATAC is very rare and absent in the Genome Aggregation Database (gnomAD) in homozygous state.

Literature cited by the submitters: PubMed 38484052.